The following is an entry in ClinVar:

NM_005876.5(SPEG):c.3956C>T (p.Thr1319Met)

Gene: SPEG (striated muscle enriched protein kinase; plus strand). Cytogenetic location: 2q35.
Variant type: single nucleotide variant.
Coding change: c.3956C>T on transcript NM_005876.5 (MANE Select); coding-DNA position 3956, C replaced by T.
Protein change: p.Thr1319Met; replaces threonine 1319 with methionine.
Molecular consequence: missense variant.
Genome position (GRCh38, 1-based): chr2:219,472,905, C>T. VCF-style: chr2-219472905-C-T. GRCh37 (hg19) VCF-style: chr2-220337627-C-T.
Other names: c.3956C>T (NM_005876.4); short protein forms T1319M.
Identifiers: ClinVar variation 1981307 (VCV001981307.3), dbSNP rs376189723, ClinGen allele CA2126361.
Genomic context (GRCh38, chr2:219,472,905, plus strand): 5'-TACTGCTCCTGCAACAGCAGCCTCTAGTAGCTCCTCTCCCGCCAGACCCGGACTCCCTGA[C>T]GTACACAGTGCAGCACCAGGTGCTGGGCTCGGACCAGTGGACGGCACTGGTCACAGGCCT-3'
Protein context (NP_005867.3, residues 1309-1329): LDMAIDPDSL[Thr1319Met]YTVQHQVLGS

ClinVar aggregate classification (germline): Uncertain significance. Review status: criteria provided, multiple submitters, no conflicts (2 of 4 stars). 2 submissions from 2 submitters: Uncertain significance (2). Last evaluated 2025-04-10.

Conditions:
Inborn genetic diseases. Identifiers: MedGen C0950123, MeSH D030342.

Allele frequency attached by ClinVar (database versions not stated): gnomAD exomes 0.00004; ExAC 0.00009; TOPMed 0.00006; gnomAD 0.00007; 1000 Genomes Project 30x 0.00031; 1000 Genomes Project 0.00040; ESP Exome Variant Server 0.00016.
gnomAD v4.1: 76 of 1,602,340 alleles (0.0047%); highest among the groups gnomAD compares: South Asian, 0.038%; no homozygotes.

Submissions (2):

Ambry Genetics
Classification: Uncertain significance for Inborn genetic diseases. Last evaluated: 2025-04-10. Review status: criteria provided, single submitter. Criteria: Ambry Variant Classification Scheme 2023. Collection method: clinical testing. Allele origin: germline.

Labcorp Genetics (formerly Invitae), Labcorp
Classification: Uncertain significance. Last evaluated: 2022-03-10. Review status: criteria provided, single submitter. Criteria: Invitae Variant Classification Sherloc (09022015). Collection method: clinical testing. Allele origin: germline.
Comment: In summary, the available evidence is currently insufficient to determine the role of this variant in disease. Therefore, it has been classified as a Variant of Uncertain Significance. Algorithms developed to predict the effect of missense changes on protein structure and function output the following: SIFT: "Tolerated"; PolyPhen-2: "Benign"; Align-GVGD: "Class C0". The methionine amino acid residue is found in multiple mammalian species, which suggests that this missense change does not adversely affect protein function. This variant has not been reported in the literature in individuals affected with SPEG-related conditions. This variant is present in population databases (rs376189723, gnomAD 0.06%). This sequence change replaces threonine, which is neutral and polar, with methionine, which is neutral and non-polar, at codon 1319 of the SPEG protein (p.Thr1319Met).